The following is an entry in ClinVar:

ClinVar aggregate classification (germline): Uncertain significance (1 of 4 stars; one submission).

Conditions:
Charcot-Marie-Tooth disease type 2. Also called: Charcot-Marie-Tooth type 2. Identifiers: Orphanet 64746, MedGen C0270914, MONDO:0018993.

Submission:

Labcorp Genetics (formerly Invitae), Labcorp
Classification: Uncertain significance for Charcot-Marie-Tooth disease type 2. Last evaluated: 2022-02-24. Review status: criteria provided, single submitter. Criteria: Invitae Variant Classification Sherloc (09022015). Collection method: clinical testing. Allele origin: germline.
Comment: This variant is not present in population databases (gnomAD no frequency). In summary, the available evidence is currently insufficient to determine the role of this variant in disease. Therefore, it has been classified as a Variant of Uncertain Significance. Algorithms developed to predict the effect of missense changes on protein structure and function (SIFT, PolyPhen-2, Align-GVGD) all suggest that this variant is likely to be disruptive. This variant has not been reported in the literature in individuals affected with LMNA-related conditions. This sequence change replaces arginine, which is basic and polar, with cysteine, which is neutral and slightly polar, at codon 99 of the LMNA protein (p.Arg99Cys).

NM_170707.4(LMNA):c.295C>T (p.Arg99Cys)

Gene: LMNA (lamin A/C; plus strand). Cytogenetic location: 1q22.
Variant type: single nucleotide variant.
Coding change: c.295C>T on transcript NM_170707.4 (MANE Select); coding-DNA position 295, C replaced by T.
Protein change: p.Arg99Cys; replaces arginine 99 with cysteine.
Molecular consequence: missense variant.
Genome position (GRCh38, 1-based): chr1:156,115,213, C>T. VCF-style: chr1-156115213-C-T. GRCh37 (hg19) VCF-style: chr1-156085004-C-T.
Other names: c.295C>T, p.Arg99Cys (NM_001282625.2, NM_001282626.2, NM_005572.4 and 1 more transcripts); short protein forms R99C.
Identifiers: ClinVar variation 1487720 (VCV001487720.6), dbSNP rs886045364, ClinGen allele CA342808666.